The following is an entry in ClinVar:

NM_004281.4(BAG3):c.1693A>T (p.Met565Leu)

Gene: BAG3 (BAG cochaperone 3; plus strand). Cytogenetic location: 10q26.11.
Variant type: single nucleotide variant.
Coding change: c.1693A>T on transcript NM_004281.4 (MANE Select); coding-DNA position 1693, A replaced by T.
Protein change: p.Met565Leu; replaces methionine 565 with leucine.
Molecular consequence: missense variant.
Genome position (GRCh38, 1-based): chr10:119,677,247, A>T. VCF-style: chr10-119677247-A-T. GRCh37 (hg19) VCF-style: chr10-121436759-A-T.
Other names: short protein forms M565L.
Identifiers: ClinVar variation 2932686 (VCV002932686.3), dbSNP rs756485989, ClinGen allele CA378297869.

ClinVar aggregate classification (germline): Uncertain significance (1 of 4 stars; one submission).

Conditions:
Dilated cardiomyopathy 1HH (CMD1HH). Identifiers: Orphanet 154, MedGen C3151293, MONDO:0013479, OMIM 613881.
Myofibrillar myopathy 6. Identifiers: Orphanet 199340, MedGen C2751831, MONDO:0013061, OMIM 612954.

Submission:

Labcorp Genetics (formerly Invitae), Labcorp
Classification: Uncertain significance for Dilated cardiomyopathy 1HH; Myofibrillar myopathy 6. Last evaluated: 2026-01-05. Review status: criteria provided, single submitter. Criteria: Invitae Variant Classification Sherloc (09022015). Collection method: clinical testing. Allele origin: germline.
Comment: This sequence change replaces methionine, which is neutral and non-polar, with leucine, which is neutral and non-polar, at codon 565 of the BAG3 protein (p.Met565Leu). This variant is not present in population databases (gnomAD no frequency). This variant has not been reported in the literature in individuals affected with BAG3-related conditions. ClinVar contains an entry for this variant (Variation ID: 2932686). Invitae Evidence Modeling of protein sequence and biophysical properties (such as structural, functional, and spatial information, amino acid conservation, physicochemical variation, residue mobility, and thermodynamic stability) indicates that this missense variant is not expected to disrupt BAG3 protein function with a negative predictive value of 80%. In summary, the available evidence is currently insufficient to determine the role of this variant in disease. Therefore, it has been classified as a Variant of Uncertain Significance.